The following is an entry in ClinVar:

ClinVar aggregate classification (germline): Likely benign. Review status: criteria provided, multiple submitters, no conflicts (2 of 4 stars). 11 submissions from 11 submitters: Likely benign (10). 1 of the submissions does not count toward it. Last evaluated 2026-07-01.

Conditions:
Familial adenomatous polyposis 2. Also called: Adenomas, multiple colorectal; MUTYH-related attenuated familial adenomatous polyposis; MUTYH Polyposis; COLORECTAL ADENOMATOUS POLYPOSIS, AUTOSOMAL RECESSIVE; ADENOMAS, MULTIPLE COLORECTAL, AUTOSOMAL RECESSIVE; MYH-associated polyposis. Identifiers: Orphanet 220460, Orphanet 247798, MedGen C3272841, MONDO:0012041, OMIM 608456.
Gastric cancer. Also called: Malignant tumor of stomach; Stomach cancer. Identifiers: MedGen C0024623, MeSH D013274, MONDO:0001056, OMIM 613659, HP:0012126.
Hereditary cancer-predisposing syndrome. Also called: Hereditary neoplastic syndrome; Tumor predisposition; Neoplastic Syndromes, Hereditary; Hereditary Cancer Syndrome. Identifiers: Orphanet 140162, MedGen C0027672, MeSH D009386, MONDO:0015356.

Allele frequency attached by ClinVar (database versions not stated): gnomAD exomes 0.00007 and 0.00029; ESP Exome Variant Server 0.00008; gnomAD 0.00011 and 0.00013; TOPMed 0.00026; ExAC 0.00028; 1000 Genomes Project 30x 0.00094; 1000 Genomes Project 0.00100.
gnomAD v4.1: 117 of 1,613,946 alleles (0.0072%); highest among the groups gnomAD compares: Admixed American, 0.13%; 1 homozygote.

Submissions (11):

CeGaT Center for Human Genetics Tuebingen
Classification: Likely benign. Last evaluated: 2026-07-01. Review status: criteria provided, single submitter. Criteria: CeGaT Center For Human Genetics Tuebingen Variant Classification Criteria Version 2. Collection method: clinical testing. Allele origin: germline. Affected: yes. Observed: 1 variant allele.
Comment: MUTYH: BP4, BP7

Labcorp Genetics (formerly Invitae), Labcorp
Classification: Likely benign for Familial adenomatous polyposis 2. Last evaluated: 2026-02-03. Review status: criteria provided, single submitter. Criteria: Invitae Variant Classification Sherloc (09022015). Collection method: clinical testing. Allele origin: germline.

ARUP Laboratories, Molecular Genetics and Genomics, ARUP Laboratories
Classification: Likely benign. Last evaluated: 2024-10-22. Review status: criteria provided, single submitter. Criteria: ARUP Molecular Germline Variant Investigation Process 2024. Collection method: clinical testing. Allele origin: germline.

All of Us Research Program, National Institutes of Health
Classification: Likely benign for Familial adenomatous polyposis 2. Last evaluated: 2024-08-13. Review status: criteria provided, single submitter. Criteria: ACMG Guidelines, 2015. Collection method: clinical testing. Allele origin: germline. Inheritance: Autosomal recessive inheritance. Observed: 27 variant alleles, 27 heterozygotes.
Comment: This study involves interpretation of variants in research participants for the purpose of population health screening. Participant phenotype was not available at the time of variant classification. Additional details can be found in publication PMID: 35346344, PMCID: PMC8962531

Department of Pathology and Laboratory Medicine, Sinai Health System
Classification: Likely benign for Gastric cancer; Familial adenomatous polyposis 2. Last evaluated: 2023-03-24. Review status: criteria provided, single submitter. Criteria: ACMG Guidelines, 2015. Collection method: clinical testing. Allele origin: germline. Affected: yes.

Quest Diagnostics Nichols Institute San Juan Capistrano
Classification: Likely benign. Last evaluated: 2022-09-08. Review status: criteria provided, single submitter. Criteria: Quest Diagnostics criteria. Collection method: clinical testing. Allele origin: unknown.

Women's Health and Genetics/Laboratory Corporation of America, LabCorp
Classification: Likely benign. Last evaluated: 2019-05-02. Review status: criteria provided, single submitter. Criteria: LabCorp Variant Classification Summary - May 2015. Collection method: clinical testing. Allele origin: germline.
Comment: Variant summary: MUTYH c.216G>A results in a synonymous change. 5/5 computational tools predict no significant impact on normal splicing. However, these predictions have yet to be confirmed by functional studies. The variant allele was found at a frequency of 0.00029 in 251260 control chromosomes, predominantly at a frequency of 0.0018 within the Latino subpopulation in the gnomAD database, including 1 homozygote. This frequency is not significantly higher than expected for a pathogenic variant in MUTYH causing MUTYH-associated Polyposis (0.00029 vs 0.0046), allowing no conclusion about variant significance. To our knowledge, no occurrence of c.216G>A in individuals affected with MUTYH-associated Polyposis and no experimental evidence demonstrating its impact on protein function have been reported. Five clinical diagnostic laboratories have submitted clinical-significance assessments for this variant to ClinVar after 2014 without evidence for independent evaluation. All laboratories classified the variant as likely benign. Based on the evidence outlined above, the variant was classified as likely benign.

GeneDx
Classification: Likely benign. Last evaluated: 2017-10-31. Review status: criteria provided, single submitter. Criteria: GeneDx Variant Classification (06012015). Collection method: clinical testing. Allele origin: germline. Affected: yes.
Comment: This variant is considered likely benign or benign based on one or more of the following criteria: it is a conservative change, it occurs at a poorly conserved position in the protein, it is predicted to be benign by multiple in silico algorithms, and/or has population frequency not consistent with disease.

Color Diagnostics, LLC DBA Color Health
Classification: Likely benign for Hereditary cancer-predisposing syndrome. Last evaluated: 2017-01-17. Review status: criteria provided, single submitter. Criteria: ACMG Guidelines, 2015. Collection method: clinical testing. Allele origin: germline.

Ambry Genetics
Classification: Likely benign for Hereditary cancer-predisposing syndrome. Last evaluated: 2014-10-24. Review status: criteria provided, single submitter. Criteria: Ambry Variant Classification Scheme 2023. Collection method: clinical testing. Allele origin: germline.

Counsyl
Classification: Likely benign for Familial adenomatous polyposis 2. Last evaluated: 2016-01-19. Review status: no assertion criteria provided. Collection method: clinical testing. Allele origin: unknown. Not counted in ClinVar's aggregate classification.

NM_001048174.2(MUTYH):c.132G>A (p.Pro44=)

Gene: MUTYH (mutY DNA glycosylase; minus strand). Cytogenetic location: 1p34.1.
Variant type: single nucleotide variant.
Coding change: c.132G>A on transcript NM_001048174.2 (MANE Select); coding-DNA position 132, G replaced by A.
Protein change: p.Pro44=; no amino-acid change (proline 44 retained).
Molecular consequence: synonymous variant. On other transcripts: 5 prime UTR variant (1), non-coding transcript variant (2), intron variant (3).
Genome position (GRCh38, 1-based): chr1:45,333,545, C>T on the plus strand (G>A on the coding strand, the complement: MUTYH is on the minus strand). VCF-style: chr1-45333545-C-T. GRCh37 (hg19) VCF-style: chr1-45799217-C-T.
Other names: c.132G>A, p.Pro44= (NM_001048171.2, NM_001048173.2, NM_001293195.2); c.135G>A, p.Pro45= (NM_001048172.2); c.216G>A, p.Pro72= (NM_001128425.2); c.177G>A, p.Pro59= (NM_001293190.2); c.165G>A, p.Pro55= (NM_001293191.2); c.-140G>A (NM_001350650.2); c.207G>A, p.Pro69= (NM_012222.3); c.-92-48G>A (NM_001350651.2); and 1 more.
Identifiers: ClinVar variation 184132 (VCV000184132.29), dbSNP rs144551668, ClinGen allele CA013243.